The following is an entry in ClinVar:

ClinVar aggregate classification (germline): Uncertain significance (1 of 4 stars; one submission).

Conditions:
Inborn genetic diseases. Identifiers: MedGen C0950123, MeSH D030342.

gnomAD v4.1: 2 of 1,610,088 alleles (0.00012%); highest among the groups gnomAD compares: Non-Finnish European, 0.00017%; no homozygotes.

Submission:

Ambry Genetics
Classification: Uncertain significance for Inborn genetic diseases. Last evaluated: 2024-12-13. Review status: criteria provided, single submitter. Criteria: Ambry Variant Classification Scheme 2023. Collection method: clinical testing. Allele origin: germline.
Comment: The p.F16L variant (also known as c.48C>A), located in coding exon 1 of the ANKRD26 gene, results from a C to A substitution at nucleotide position 48. The phenylalanine at codon 16 is replaced by leucine, an amino acid with highly similar properties. This amino acid position is conserved. In addition, this alteration is predicted to be tolerated by in silico analysis. Based on the available evidence, the clinical significance of this variant remains unclear.

NM_014915.3(ANKRD26):c.48C>A (p.Phe16Leu)

Genes: ANKRD26 (ankyrin repeat domain containing 26; minus strand), LOC130003554 (ATAC-STARR-seq lymphoblastoid silent region 2243; plus strand). Cytogenetic location: 10p12.1.
Variant type: single nucleotide variant.
Coding change: c.48C>A on transcript NM_014915.3 (MANE Select); coding-DNA position 48, C replaced by A.
Protein change: p.Phe16Leu; replaces phenylalanine 16 with leucine.
Molecular consequence: missense variant.
Genome position (GRCh38, 1-based): chr10:27,100,279, G>T on the plus strand (C>A on the coding strand, the complement: ANKRD26 is on the minus strand). VCF-style: chr10-27100279-G-T. GRCh37 (hg19) VCF-style: chr10-27389208-G-T.
Other names: c.48C>A, p.Phe16Leu (NM_001256053.2); short protein forms F16L.
Identifiers: ClinVar variation 3869245 (VCV003869245.1).